The following is an entry in ClinVar:

ClinVar aggregate classification (germline): Uncertain significance. Review status: criteria provided, multiple submitters, no conflicts (2 of 4 stars). 2 submissions from 2 submitters: Uncertain significance (2). Last evaluated 2025-08-22.

Conditions:
Emery-Dreifuss muscular dystrophy 5, autosomal dominant (EDMD5). Also called: EMERY-DREIFUSS MUSCULAR DYSTROPHY 5. Identifiers: Orphanet 261, MedGen C2751805, MONDO:0013072, OMIM 612999.

gnomAD v4.1: 11 of 1,614,094 alleles (0.00068%); highest among the groups gnomAD compares: Non-Finnish European, 0.00017%; no homozygotes.

Submissions (2):

Ambry Genetics
Classification: Uncertain significance. Last evaluated: 2025-08-22. Review status: criteria provided, single submitter. Criteria: Ambry Variant Classification Scheme 2023. Collection method: clinical testing. Allele origin: germline.

Labcorp Genetics (formerly Invitae), Labcorp
Classification: Uncertain significance for Emery-Dreifuss muscular dystrophy 5, autosomal dominant. Last evaluated: 2022-06-27. Review status: criteria provided, single submitter. Criteria: Invitae Variant Classification Sherloc (09022015). Collection method: clinical testing. Allele origin: germline.
Comment: In summary, the available evidence is currently insufficient to determine the role of this variant in disease. Therefore, it has been classified as a Variant of Uncertain Significance. Algorithms developed to predict the effect of sequence changes on RNA splicing suggest that this variant may create or strengthen a splice site. Algorithms developed to predict the effect of missense changes on protein structure and function are either unavailable or do not agree on the potential impact of this missense change (SIFT: "Deleterious"; PolyPhen-2: "Probably Damaging"; Align-GVGD: "Class C0"). This variant has not been reported in the literature in individuals affected with SYNE2-related conditions. This variant is present in population databases (rs201740276, gnomAD 0.02%). This sequence change replaces isoleucine, which is neutral and non-polar, with serine, which is neutral and polar, at codon 3713 of the SYNE2 protein (p.Ile3713Ser).

NM_182914.3(SYNE2):c.11138T>G (p.Ile3713Ser)

Gene: SYNE2 (spectrin repeat containing nuclear envelope protein 2; plus strand). Cytogenetic location: 14q23.2.
Variant type: single nucleotide variant.
Coding change: c.11138T>G on transcript NM_182914.3 (MANE Select); coding-DNA position 11138, T replaced by G.
Protein change: p.Ile3713Ser; replaces isoleucine 3713 with serine.
Molecular consequence: missense variant.
Genome position (GRCh38, 1-based): chr14:64,078,581, T>G. VCF-style: chr14-64078581-T-G. GRCh37 (hg19) VCF-style: chr14-64545299-T-G.
Other names: c.11138T>G (NM_182914.2); c.11138T>G, p.Ile3713Ser (NM_015180.6); short protein forms I3713S.
Identifiers: ClinVar variation 1501645 (VCV001501645.7), dbSNP rs201740276, ClinGen allele CA261805082.